The following is an entry in ClinVar:

ClinVar aggregate classification (germline): Benign (1 of 4 stars; one submission).

Conditions:
Epilepsy, idiopathic generalized, susceptibility to, 13. Also called: EPILEPSY, JUVENILE MYOCLONIC, SUSCEPTIBILITY TO, 5. Identifiers: Orphanet 307, Orphanet 64280, MedGen C4013473, MONDO:0012627, OMIM 611136.

Allele frequency attached by ClinVar (database versions not stated): 1000 Genomes Project 0.58107; 1000 Genomes Project 30x 0.58323; gnomAD exomes 0.59857; gnomAD 0.59873 and 0.59993; TOPMed 0.60453.
gnomAD v4.1: 92,280 of 154,248 alleles (60%); highest among the groups gnomAD compares: Admixed American, 68%; 28,027 homozygotes.

Submission:

Illumina Laboratory Services, Illumina
Classification: Benign for Epilepsy, idiopathic generalized, susceptibility to, 13. Last evaluated: 2018-01-12. Review status: criteria provided, single submitter. Criteria: ICSL Variant Classification Criteria 13 December 2019. Collection method: clinical testing. Allele origin: germline.
Comment: This variant was observed in the ICSL laboratory as part of a predisposition screen in an ostensibly healthy population. It had not been previously curated by ICSL or reported in the Human Gene Mutation Database (HGMD: prior to June 1st, 2018), and was therefore a candidate for classification through an automated scoring system. Utilizing variant allele frequency, disease prevalence and penetrance estimates, and inheritance mode, an automated score was calculated to assess if this variant is too frequent to cause the disease. Based on the score and internal cut-off values, a variant classified as benign is not then subjected to further curation. The score for this variant resulted in a classification of benign for this disease.

NM_001127644.2(GABRA1):c.*470A>G

Gene: GABRA1 (gamma-aminobutyric acid type A receptor subunit alpha1; plus strand). Cytogenetic location: 5q34.
Variant type: single nucleotide variant.
Coding change: c.*470A>G on transcript NM_001127644.2 (MANE Select); 470 bases downstream of the stop codon, A replaced by G.
Molecular consequence: 3 prime UTR variant.
Genome position (GRCh38, 1-based): chr5:161,897,892, A>G. VCF-style: chr5-161897892-A-G. GRCh37 (hg19) VCF-style: chr5-161324898-A-G.
Other names: c.*470A>G (NM_000806.5, NM_001127643.2, NM_001127645.2 and 1 more transcripts).
Identifiers: ClinVar variation 352608 (VCV000352608.5), dbSNP rs2290732, ClinGen allele CA10623893.